The following is an entry in ClinVar:

NM_001127222.2(CACNA1A):c.506G>A (p.Trp169Ter)

Gene: CACNA1A (calcium voltage-gated channel subunit alpha1 A; minus strand). Cytogenetic location: 19p13.13.
Variant type: single nucleotide variant.
Coding change: c.506G>A on transcript NM_001127222.2 (MANE Select); coding-DNA position 506, G replaced by A.
Protein change: p.Trp169Ter; replaces tryptophan 169 with a stop codon.
Molecular consequence: nonsense.
Genome position (GRCh38, 1-based): chr19:13,452,909, C>T on the plus strand (G>A on the coding strand, the complement: CACNA1A is on the minus strand). VCF-style: chr19-13452909-C-T. GRCh37 (hg19) VCF-style: chr19-13563723-C-T.
Other names: c.506G>A, p.Trp169Ter (NM_000068.4, NM_001127221.2, NM_001174080.2 and 1 more transcripts); short protein forms W169*.
Identifiers: ClinVar variation 3483909 (VCV003483909.3).

ClinVar aggregate classification (germline): Pathogenic. Review status: criteria provided, multiple submitters, no conflicts (2 of 4 stars). 2 submissions from 2 submitters: Pathogenic (2). Last evaluated 2024-08-20.

Conditions:
Developmental and epileptic encephalopathy, 42 (DEE42A). Also called: Epileptic encephalopathy, early infantile, 42; DEVELOPMENTAL AND EPILEPTIC ENCEPHALOPATHY 42A; EPILEPTIC ENCEPHALOPATHY, EARLY INFANTILE, 42A. Identifiers: MedGen C4310716, MONDO:0014917, OMIM 617106.
Episodic ataxia type 2 (EA2). Also called: ACETAZOLAMIDE-RESPONSIVE HEREDITARY PAROXYSMAL CEREBELLAR ATAXIA; ATAXIA, EPISODIC, WITH NYSTAGMUS; ATAXIA, FAMILIAL PAROXYSMAL; CEREBELLAR ATAXIA, PAROXYSMAL, ACETAZOLAMIDE-RESPONSIVE; CEREBELLOPATHY, HEREDITARY PAROXYSMAL; EPISODIC ATAXIA, NYSTAGMUS-ASSOCIATED. Identifiers: Orphanet 97, MedGen C1720416, MONDO:0007163, OMIM 108500.
Inborn genetic diseases. Identifiers: MedGen C0950123, MeSH D030342.

Submissions (2):

Ambry Genetics
Classification: Pathogenic for Inborn genetic diseases. Last evaluated: 2024-08-20. Review status: criteria provided, single submitter. Criteria: Ambry Variant Classification Scheme 2023. Collection method: clinical testing. Allele origin: germline.
Comment: The c.506G>A (p.W169*) alteration, located in exon 3 (coding exon 3) of the CACNA1A gene, consists of a G to A substitution at nucleotide position 506. This changes the amino acid from a tryptophan (W) to a stop codon at amino acid position 169. This alteration is expected to result in loss of function by premature protein truncation or nonsense-mediated mRNA decay. for CACNA1A-related neurologic disorder; however, it is unlikely to be causative of CACNA1A-related spinocerebellar ataxia This variant was not reported in population-based cohorts in the Genome Aggregation Database (gnomAD). This variant has been reported to be the result of a mosaic de novo mutation in one individual with seizures, developmental delay, ataxia, and abnormal EEG (Niu, 2022). Based on the available evidence, this alteration is classified as pathogenic.

Labcorp Genetics (formerly Invitae), Labcorp
Classification: Pathogenic for Developmental and epileptic encephalopathy, 42; Episodic ataxia type 2. Last evaluated: 2024-02-06. Review status: criteria provided, single submitter. Criteria: Invitae Variant Classification Sherloc (09022015). Collection method: clinical testing. Allele origin: germline.
Comment: This sequence change creates a premature translational stop signal (p.Trp169*) in the CACNA1A gene. It is expected to result in an absent or disrupted protein product. Loss-of-function variants in CACNA1A are known to be pathogenic (PMID: 10371528, 19486177, 25735478, 27250579). This variant is not present in population databases (gnomAD no frequency). This premature translational stop signal has been observed in individual(s) with CACNA1A-related conditions (PMID: 34263451). For these reasons, this variant has been classified as Pathogenic.

Literature cited by the submitters: PubMed 34263451 (cited by Ambry Genetics and Labcorp Genetics (formerly Invitae), Labcorp); PubMed 10371528 (cited by Labcorp Genetics (formerly Invitae), Labcorp); PubMed 19486177 (cited by Labcorp Genetics (formerly Invitae), Labcorp); PubMed 25735478 (cited by Labcorp Genetics (formerly Invitae), Labcorp); PubMed 27250579 (cited by Labcorp Genetics (formerly Invitae), Labcorp).